The following is an entry in ClinVar:

ClinVar aggregate classification (germline): Uncertain significance (1 of 4 stars; one submission).

Submission:

GeneDx
Classification: Uncertain significance. Last evaluated: 2024-10-28. Review status: criteria provided, single submitter. Criteria: GeneDx Variant Classification Process June 2021. Collection method: clinical testing. Allele origin: germline. Affected: yes.
Comment: Frameshift variant predicted to result in abnormal protein length as the last 297 amino acids are replaced with 2 different amino acids, and other similar variants have been reported in HGMD; Has not been previously published as pathogenic or benign to our knowledge

NM_205768.3(ZBTB18):c.703_814del (p.Ser235fs)

Gene: ZBTB18 (zinc finger and BTB domain containing 18; plus strand). Cytogenetic location: 1q44.
Variant type: Deletion.
Coding change: c.703_814del on transcript NM_205768.3 (MANE Select); coding-DNA positions 703 to 814, 112 bases deleted.
Protein change: p.Ser235fs; shifts the reading frame from serine 235.
Molecular consequence: frameshift variant. On other transcripts: splice acceptor variant (1), splice donor variant (1), no sequence alteration (1).
Genome position (GRCh38, 1-based): chr1:244,054,477-244,054,588, 112 bases deleted. GRCh37 (hg19): chr1:244,217,779-244,217,890.
Other names: c.676_787del, p.Ser226fs (NM_001278196.2, NM_006352.5); c.701+2_702del, p.Arg234= (NM_001421566.1); short protein forms S226fs, S235fs.
Identifiers: ClinVar variation 3898900 (VCV003898900.1).